The following is an entry in ClinVar:

NM_002361.4(MAG):c.899A>G (p.Asp300Gly)

Gene: MAG (myelin associated glycoprotein; plus strand). Cytogenetic location: 19q13.12.
Variant type: single nucleotide variant.
Coding change: c.899A>G on transcript NM_002361.4 (MANE Select); coding-DNA position 899, A replaced by G.
Protein change: p.Asp300Gly; replaces aspartic acid 300 with glycine.
Molecular consequence: missense variant.
Genome position (GRCh38, 1-based): chr19:35,300,333, A>G. VCF-style: chr19-35300333-A-G. GRCh37 (hg19) VCF-style: chr19-35791236-A-G.
Other names: c.824A>G, p.Asp275Gly (NM_001199216.2); c.899A>G, p.Asp300Gly (NM_080600.3); short protein forms D275G, D300G.
Identifiers: ClinVar variation 639292 (VCV000639292.8), dbSNP rs1216189764, ClinGen allele CA405311107.
Genomic context (GRCh38, chr19:35,300,333, plus strand): 5'-TCCGGGAGGCGGTGGCCGAGAGCCTGCTCCTGGAGCTGGAGGAGGTGACCCCCGCCGAAG[A>G]CGGCGTCTATGCCTGCCTGGCCGAGAATGCCTATGGCCAGGACAACCGCACCGTGGGGCT-3'
Protein context (NP_002352.1, residues 290-310): LELEEVTPAE[Asp300Gly]GVYACLAENA

ClinVar aggregate classification (germline): Uncertain significance (1 of 4 stars; one submission).

Conditions:
Hereditary spastic paraplegia 75. Also called: Spastic paraplegia 75, autosomal recessive. Identifiers: Orphanet 459056, MedGen C4225250, MONDO:0014729, OMIM 616680.

Allele frequency attached by ClinVar (database versions not stated): gnomAD exomes below 0.00001; gnomAD 0.00001; TOPMed 0.00001.
gnomAD v4.1: 6 of 1,598,918 alleles (0.00038%); highest among the groups gnomAD compares: Non-Finnish European, 0.00051%; no homozygotes.

Submission:

Labcorp Genetics (formerly Invitae), Labcorp
Classification: Uncertain significance for Hereditary spastic paraplegia 75. Last evaluated: 2022-01-19. Review status: criteria provided, single submitter. Criteria: Invitae Variant Classification Sherloc (09022015). Collection method: clinical testing. Allele origin: germline.
Comment: In summary, the available evidence is currently insufficient to determine the role of this variant in disease. Therefore, it has been classified as a Variant of Uncertain Significance. Algorithms developed to predict the effect of missense changes on protein structure and function are either unavailable or do not agree on the potential impact of this missense change (SIFT: "Deleterious"; PolyPhen-2: "Benign"; Align-GVGD: "Class C0"). ClinVar contains an entry for this variant (Variation ID: 639292). This variant has not been reported in the literature in individuals affected with MAG-related conditions. This variant is not present in population databases (gnomAD no frequency). This sequence change replaces aspartic acid, which is acidic and polar, with glycine, which is neutral and non-polar, at codon 300 of the MAG protein (p.Asp300Gly).